The following is an entry in ClinVar:

NM_001927.4(DES):c.599T>A (p.Leu200Ter)

Gene: DES (desmin; plus strand). Cytogenetic location: 2q35.
Variant type: single nucleotide variant.
Coding change: c.599T>A on transcript NM_001927.4 (MANE Select); coding-DNA position 599, T replaced by A.
Protein change: p.Leu200Ter; replaces leucine 200 with a stop codon.
Molecular consequence: nonsense. On other transcripts: intron variant (1).
Genome position (GRCh38, 1-based): chr2:219,420,115, T>A. VCF-style: chr2-219420115-T-A. GRCh37 (hg19) VCF-style: chr2-220284837-T-A.
Other names: c.599T>A, p.Leu200Ter (NM_001382708.1, NM_001382709.1, NM_001382710.1 and 2 more transcripts); c.496-410T>A (NM_001382713.1); short protein forms L200*.
Identifiers: ClinVar variation 1425778 (VCV001425778.6), dbSNP rs2125167364, ClinGen allele CA350689790.

ClinVar aggregate classification (germline): Pathogenic (1 of 4 stars; one submission).

Conditions:
Desmin-related myofibrillar myopathy (MFM1). Also called: MYOFIBRILLAR MYOPATHY WITH ARRHYTHMOGENIC RIGHT VENTRICULAR CARDIOMYOPATHY; DESMIN-RELATED MYOPATHY WITH ARRHYTHMOGENIC RIGHT VENTRICULAR CARDIOMYOPATHY; Desminopathy; Desmin related myopathy (former name); Desmin storage myopathy (former name); Myofibrillar myopathy 1. Identifiers: Orphanet 363543, Orphanet 98909, MedGen C1832370, MONDO:0011076, OMIM 601419.

Submission:

Labcorp Genetics (formerly Invitae), Labcorp
Classification: Pathogenic for Desmin-related myofibrillar myopathy. Last evaluated: 2021-07-26. Review status: criteria provided, single submitter. Criteria: Invitae Variant Classification Sherloc (09022015). Collection method: clinical testing. Allele origin: germline.
Comment: For these reasons, this variant has been classified as Pathogenic. This variant has not been reported in the literature in individuals affected with DES-related conditions. This variant is not present in population databases (ExAC no frequency). This sequence change creates a premature translational stop signal (p.Leu200*) in the DES gene. It is expected to result in an absent or disrupted protein product. Loss-of-function variants in DES are known to be pathogenic (PMID: 23575897).

Literature cited by the submitters: PubMed 23575897.